The following is an entry in ClinVar:

ClinVar aggregate classification (germline): Likely benign (1 of 4 stars; one submission).

Allele frequency attached by ClinVar (database versions not stated): gnomAD 0.00001; TOPMed 0.00001; gnomAD exomes 0.00002; ExAC 0.00010.
gnomAD v4.1: 21 of 1,148,861 alleles (0.0018%); highest among the groups gnomAD compares: Middle Eastern, 0.023%; no homozygotes.

Submission:

CeGaT Center for Human Genetics Tuebingen
Classification: Likely benign. Last evaluated: 2023-04-01. Review status: criteria provided, single submitter. Criteria: CeGaT Center For Human Genetics Tuebingen Variant Classification Criteria Version 2. Collection method: clinical testing. Allele origin: germline. Affected: yes. Observed: 1 variant allele.
Comment: MSL3: BP4, BP7

NM_078629.4(MSL3):c.102+438C>T

Gene: MSL3 (MSL complex subunit 3; plus strand). Cytogenetic location: Xp22.2.
Variant type: single nucleotide variant.
Coding change: c.102+438C>T on transcript NM_078629.4 (MANE Select); 438 bases into the intron after coding-DNA position 102, C replaced by T.
Molecular consequence: intron variant.
Genome position (GRCh38, 1-based): chrX:11,758,803, C>T. VCF-style: chrX-11758803-C-T. GRCh37 (hg19) VCF-style: chrX-11776922-C-T.
Other names: c.66+30C>T (NM_001193270.2); c.-263+438C>T (NM_001282174.1); c.102+438C>T (NM_078628.2).
Identifiers: ClinVar variation 2659991 (VCV002659991.24), dbSNP rs748326547, ClinGen allele CA10348717.